The following is an entry in ClinVar:

ClinVar aggregate classification (germline): Conflicting classifications of pathogenicity. Review status: criteria provided, conflicting classifications (1 of 4 stars). 4 submissions from 4 submitters: Uncertain significance (2); Likely benign (1). 1 of the submissions does not count toward it. Last evaluated 2025-11-12.

Conditions:
COL6A3-related disorder. Also called: COL6A3-related disorders; COL6A3-related condition.
Bethlem myopathy 1A. Also called: MYOPATHY, BENIGN CONGENITAL, WITH CONTRACTURES; Bethlem myopathy 1; Bethlem Muscular Dystrophy. Identifiers: Orphanet 610, MedGen CN029274, MONDO:0024530, OMIM 158810.
Ullrich congenital muscular dystrophy 1A. Also called: Ullrich congenital muscular dystrophy 1; Intermediate COL6-RD. Identifiers: Orphanet 75840, MedGen C0410179, MONDO:0009681, OMIM 254090.
Dystonia 27 (DYT27). Identifiers: Orphanet 464440, MedGen C4225336, MONDO:0014627, OMIM 616411.

Allele frequency attached by ClinVar (database versions not stated): gnomAD 0.00007; TOPMed 0.00007; ESP Exome Variant Server 0.00008; gnomAD exomes 0.00010 and 0.00018; ExAC 0.00012.
gnomAD v4.1: 269 of 1,614,128 alleles (0.017%); highest among the groups gnomAD compares: Admixed American, 0.035%; no homozygotes.

Submissions (4):

Labcorp Genetics (formerly Invitae), Labcorp
Classification: Likely benign for Bethlem myopathy 1A. Last evaluated: 2025-11-12. Review status: criteria provided, single submitter. Criteria: Invitae Variant Classification Sherloc (09022015). Collection method: clinical testing. Allele origin: germline.

Fulgent Genetics
Classification: Uncertain significance for Bethlem myopathy 1A; Ullrich congenital muscular dystrophy 1A; Dystonia 27. Last evaluated: 2018-10-31. Review status: criteria provided, single submitter. Criteria: ACMG Guidelines, 2015. Collection method: clinical testing. Allele origin: unknown.

Eurofins Ntd Llc (ga)
Classification: Uncertain significance. Last evaluated: 2015-03-03. Review status: criteria provided, single submitter. Criteria: EGL Classification Definitions 2015. Collection method: clinical testing. Allele origin: germline. Observed: 2 variant alleles, 2 heterozygotes.

PreventionGenetics, part of Exact Sciences
Classification: Uncertain significance for COL6A3-related condition. Last evaluated: 2024-05-02. Review status: no assertion criteria provided. Collection method: clinical testing. Allele origin: germline. Not counted in ClinVar's aggregate classification.
Comment: The COL6A3 c.5341A>G variant is predicted to result in the amino acid substitution p.Ile1781Val. To our knowledge, this variant has not been reported in the literature. This variant is reported in 0.034% of alleles in individuals of Latino descent in gnomAD. At this time, the clinical significance of this variant is uncertain due to the absence of conclusive functional and genetic evidence.

NM_004369.4(COL6A3):c.5341A>G (p.Ile1781Val)

Gene: COL6A3 (collagen type VI alpha 3 chain; minus strand). Cytogenetic location: 2q37.3.
Variant type: single nucleotide variant.
Coding change: c.5341A>G on transcript NM_004369.4 (MANE Select); coding-DNA position 5341, A replaced by G.
Protein change: p.Ile1781Val; replaces isoleucine 1781 with valine.
Molecular consequence: missense variant.
Genome position (GRCh38, 1-based): chr2:237,366,846, T>C on the plus strand (A>G on the coding strand, the complement: COL6A3 is on the minus strand). VCF-style: chr2-237366846-T-C. GRCh37 (hg19) VCF-style: chr2-238275489-T-C.
Other names: c.3520A>G, p.Ile1174Val (NM_057166.5); c.4723A>G, p.Ile1575Val (NM_057167.4); short protein forms I1781V, I1575V, I1174V.
Identifiers: ClinVar variation 193877 (VCV000193877.15), dbSNP rs145447965, ClinGen allele CA239566.
Genomic context (GRCh38, chr2:237,366,846, plus strand): 5'-TGCCCACGCGGAACGCTGTGGCGCTGTTGGACGCTATCTTTCCAACCTCCTCCGAGTCGA[T>C]ATTCCTCACTCCAACAGCAAACACTTTGACCCCCCTCTGGGTGAGGGCCAGGCTCACATC-3'
Protein context (NP_004360.2, residues 1771-1791): VKVFAVGVRN[Ile1781Val]DSEEVGKIAS